The following is an entry in ClinVar:

NM_021252.5(RAB18):c.*1542T>C

Gene: RAB18 (RAB18, member RAS oncogene family; plus strand). Cytogenetic location: 10p12.1.
Variant type: single nucleotide variant.
Coding change: c.*1542T>C on transcript NM_021252.5 (MANE Select); 1542 bases downstream of the stop codon, T replaced by C.
Molecular consequence: 3 prime UTR variant. On other transcripts: non-coding transcript variant (1).
Genome position (GRCh38, 1-based): chr10:27,539,593, T>C. VCF-style: chr10-27539593-T-C. GRCh37 (hg19) VCF-style: chr10-27828522-T-C.
Other names: c.*1542T>C (NM_001256410.2, NM_001256412.2); c.*1502T>C (NM_001256411.2).
Identifiers: ClinVar variation 299846 (VCV000299846.6), dbSNP rs10508724, ClinGen allele CA5452516.

ClinVar aggregate classification (germline): Benign. Review status: criteria provided, multiple submitters, no conflicts (2 of 4 stars). 2 submissions from 2 submitters: Benign (2). Last evaluated 2018-01-13.

Conditions:
Warburg micro syndrome 3 (WARBM3). Also called: MICRO SYNDROME 3. Identifiers: Orphanet 2510, MedGen C3280203, MONDO:0013638, OMIM 614222.

Allele frequency attached by ClinVar (database versions not stated): gnomAD 0.02342 and 0.01545; gnomAD exomes 0.04190 and 0.05661; 1000 Genomes Project 30x 0.08370; 1000 Genomes Project 0.09085; TOPMed 0.02286; ExAC 0.10983.
gnomAD v4.1: 15,435 of 438,332 alleles (3.5%); highest among the groups gnomAD compares: East Asian, 31%; 1,308 homozygotes.

Submissions (2):

Illumina Laboratory Services, Illumina
Classification: Benign for Warburg micro syndrome 3. Last evaluated: 2018-01-13. Review status: criteria provided, single submitter. Criteria: ICSL Variant Classification Criteria 13 December 2019. Collection method: clinical testing. Allele origin: germline.
Comment: This variant was observed in the ICSL laboratory as part of a predisposition screen in an ostensibly healthy population. It had not been previously curated by ICSL or reported in the Human Gene Mutation Database (HGMD: prior to June 1st, 2018), and was therefore a candidate for classification through an automated scoring system. Utilizing variant allele frequency, disease prevalence and penetrance estimates, and inheritance mode, an automated score was calculated to assess if this variant is too frequent to cause the disease. Based on the score and internal cut-off values, a variant classified as benign is not then subjected to further curation. The score for this variant resulted in a classification of benign for this disease.

Breakthrough Genomics
Classification: Benign. Review status: criteria provided, single submitter. Criteria: ACMG Guidelines, 2015. Collection method: not provided. Allele origin: germline. Inheritance: Autosomal recessive inheritance. Affected: yes.